The following is an entry in ClinVar:

NM_198173.3(GRHL3):c.612+5G>C

Gene: GRHL3 (grainyhead like transcription factor 3; plus strand). Cytogenetic location: 1p36.11.
Variant type: single nucleotide variant.
Coding change: c.612+5G>C on transcript NM_198173.3 (MANE Select); 5 bases into the intron after coding-DNA position 612, G replaced by C.
Molecular consequence: intron variant.
Genome position (GRCh38, 1-based): chr1:24,336,832, G>C. VCF-style: chr1-24336832-G-C. GRCh37 (hg19) VCF-style: chr1-24663322-G-C.
Other names: c.612+5G>C (NM_198174.3); c.474+5G>C (NM_001195010.2); c.627+5G>C (NM_021180.4).
Identifiers: ClinVar variation 4531408 (VCV004531408.1).

ClinVar aggregate classification (germline): Uncertain significance (1 of 4 stars; one submission).

Conditions:
Van der Woude syndrome 2 (VWS2). Identifiers: Orphanet 888, MedGen C1847604, MONDO:0011712, OMIM 606713.

Submission:

Victorian Clinical Genetics Services, Murdoch Childrens Research Institute
Classification: Uncertain significance for Van der Woude syndrome 2. Last evaluated: 2025-10-23. Review status: criteria provided, single submitter. Criteria: ACMG Guidelines, 2015. Collection method: clinical testing. Allele origin: germline. Affected: yes.
Comment: This variant is classified as VUS-3A. Evidence in support of pathogenic classification: Non-canonical splice site variant without proven consequence on splicing (no functional evidence available); Variant is absent from gnomAD (v2, v3 and v4). Additional information: This variant is heterozygous; This gene is associated with autosomal dominant disease; Alternative nucleotide change(s) at the same non-canonical splice site are present in gnomAD (highest allele count: v4: 1 heterozygote(s), 0 homozygote(s)); This variant has no previous evidence of pathogenicity; No published evidence of segregation with disease has been identified for this variant; No published functional evidence has been identified for this variant; No comparable splice region variants have previous evidence for pathogenicity; In silico prediction for abnormal splicing and nucleotide conservation are conflicting; Loss of function is a known mechanism of disease in this gene and is associated with van der Woude syndrome 2 (MIM#606713); The condition associated with this gene has incomplete penetrance (PMID: 24360809).

Literature cited by the submitters: PubMed 24360809.